The following is an entry in ClinVar:

NM_000051.4(ATM):c.2205A>C (p.Ile735=)

Gene: ATM (ATM serine/threonine kinase; plus strand). Cytogenetic location: 11q22.3.
Variant type: single nucleotide variant.
Coding change: c.2205A>C on transcript NM_000051.4 (MANE Select); coding-DNA position 2205, A replaced by C.
Protein change: p.Ile735=; no amino-acid change (isoleucine 735 retained).
Molecular consequence: synonymous variant.
Genome position (GRCh38, 1-based): chr11:108,256,295, A>C. VCF-style: chr11-108256295-A-C. GRCh37 (hg19) VCF-style: chr11-108127022-A-C.
Other names: c.2205A>C, p.Ile735= (NM_001351834.2).
Identifiers: ClinVar variation 3253926 (VCV003253926.1), dbSNP rs2135394034.

ClinVar aggregate classification (germline): Benign (1 of 4 stars; one submission).

Conditions:
Familial cancer of breast. Also called: BREAST CANCER, FAMILIAL; Hereditary breast cancer; hereditary breast carcinoma. Identifiers: Orphanet 227535, MedGen C0346153, MONDO:0016419, OMIM 114480. Disease mechanism: loss of function.

Submission:

Myriad Genetics, Inc.
Classification: Benign for Familial cancer of breast. Last evaluated: 2024-05-07. Review status: criteria provided, single submitter. Criteria: Myriad Autosomal Dominant, Autosomal Recessive and X-Linked Classification Criteria (2023). Collection method: clinical testing. Allele origin: unknown.
Comment: This variant is considered benign. This variant is a silent/synonymous amino acid change and it is not expected to impact splicing.